The following is an entry in ClinVar:

NM_004360.5(CDH1):c.771C>G (p.Asp257Glu)

Gene: CDH1 (cadherin 1; plus strand). Cytogenetic location: 16q22.1.
Variant type: single nucleotide variant.
Coding change: c.771C>G on transcript NM_004360.5 (MANE Select); coding-DNA position 771, C replaced by G.
Protein change: p.Asp257Glu; replaces aspartic acid 257 with glutamic acid.
Molecular consequence: missense variant. On other transcripts: 5 prime UTR variant (2).
Genome position (GRCh38, 1-based): chr16:68,810,280, C>G. VCF-style: chr16-68810280-C-G. GRCh37 (hg19) VCF-style: chr16-68844183-C-G.
Other names: c.771C>G, p.Asp257Glu (NM_001317184.2); c.-845C>G (NM_001317185.2); c.-1049C>G (NM_001317186.2); short protein forms D257E.
Identifiers: ClinVar variation 3723344 (VCV003723344.2).

ClinVar aggregate classification (germline): Uncertain significance (1 of 4 stars; one submission).

Conditions:
Hereditary diffuse gastric adenocarcinoma (HDGC). Also called: DIFFUSE GASTRIC AND LOBULAR BREAST CANCER SYNDROME. Identifiers: Orphanet 26106, MedGen C1708349, MONDO:0007648, OMIM 137215.

Submission:

Labcorp Genetics (formerly Invitae), Labcorp
Classification: Uncertain significance for Hereditary diffuse gastric adenocarcinoma. Last evaluated: 2024-10-21. Review status: criteria provided, single submitter. Criteria: Invitae Variant Classification Sherloc (09022015). Collection method: clinical testing. Allele origin: germline.
Comment: This sequence change replaces aspartic acid, which is acidic and polar, with glutamic acid, which is acidic and polar, at codon 257 of the CDH1 protein (p.Asp257Glu). This variant is not present in population databases (gnomAD no frequency). This variant has not been reported in the literature in individuals affected with CDH1-related conditions. An algorithm developed to predict the effect of missense changes on protein structure and function (PolyPhen-2) suggests that this variant is likely to be disruptive. In summary, the available evidence is currently insufficient to determine the role of this variant in disease. Therefore, it has been classified as a Variant of Uncertain Significance.